The following is an entry in ClinVar:

NM_001110556.2(FLNA):c.136C>A (p.Gln46Lys)

Gene: FLNA (filamin A; minus strand). Cytogenetic location: Xq28.
Variant type: single nucleotide variant.
Coding change: c.136C>A on transcript NM_001110556.2 (MANE Select); coding-DNA position 136, C replaced by A.
Protein change: p.Gln46Lys; replaces glutamine 46 with lysine.
Molecular consequence: missense variant.
Genome position (GRCh38, 1-based): chrX:154,371,110, G>T on the plus strand (C>A on the coding strand, the complement: FLNA is on the minus strand). VCF-style: chrX-154371110-G-T. GRCh37 (hg19) VCF-style: chrX-153599478-G-T.
Other names: c.136C>A, p.Gln46Lys (NM_001456.4); short protein forms Q46K.
Identifiers: ClinVar variation 4789611 (VCV004789611.1).
Genomic context (GRCh38, chrX:154,371,110, plus strand): 5'-TGGCGATGCGCTTGCTCACGCACTTCAGGTGCTCGTTGCACCAGCGCGTGAAAGTGTTCT[G>T]CTGGATCTTCTTCCACGGCGCGTCCTCCGCCAGGTCCTTCTCGGTGGCCGGCATCTCGGC-3'
Protein context (NP_001104026.1, residues 36-56): AEDAPWKKIQ[Gln46Lys]NTFTRWCNEH

ClinVar aggregate classification (germline): Uncertain significance (1 of 4 stars; one submission).

Conditions:
Heterotopia, periventricular, X-linked dominant (PVNH1). Also called: PERIVENTRICULAR NODULAR HETEROTOPIA 4; HETEROTOPIA, PERIVENTRICULAR, 1; PERIVENTRICULAR NODULAR HETEROTOPIA 1; X-linked periventricular heterotopia. Identifiers: Orphanet 2149, Orphanet 82004, MedGen C1848213, MONDO:0010233, OMIM 300049.
Oto-palato-digital syndrome, type II (OPD2). Also called: Otopalatodigital Syndrome, Type II; FACIOPALATOOSSEOUS SYNDROME; OPD II SYNDROME; Otopalatodigital Syndrome Type 2 (FLNA-OPD2). Identifiers: Orphanet 669, Orphanet 90652, MedGen C1844696, MONDO:0010571, OMIM 304120.
Melnick-Needles syndrome (MNS). Also called: MELNICK-NEEDLES OSTEODYSPLASTY; OSTEODYSPLASTY OF MELNICK AND NEEDLES; Melnick-Needles Syndrome (FLNA-MNS). Identifiers: Orphanet 2484, MedGen C0025237, MONDO:0010650, OMIM 309350.
Frontometaphyseal dysplasia (FMD1). Identifiers: Orphanet 1826, MedGen C0265293, MONDO:0015942.

Submission:

Labcorp Genetics (formerly Invitae), Labcorp
Classification: Uncertain significance for Oto-palato-digital syndrome, type II; Heterotopia, periventricular, X-linked dominant; Frontometaphyseal dysplasia; Melnick-Needles syndrome. Last evaluated: 2026-01-11. Review status: criteria provided, single submitter. Criteria: Invitae Variant Classification Sherloc (09022015). Collection method: clinical testing. Allele origin: germline.
Comment: This sequence change replaces glutamine, which is neutral and polar, with lysine, which is basic and polar, at codon 46 of the FLNA protein (p.Gln46Lys). This variant is not present in population databases (gnomAD no frequency). This variant has not been reported in the literature in individuals affected with FLNA-related conditions. Invitae Evidence Modeling of protein sequence and biophysical properties (such as structural, functional, and spatial information, amino acid conservation, physicochemical variation, residue mobility, and thermodynamic stability) indicates that this missense variant is not expected to disrupt FLNA protein function with a negative predictive value of 95%. In summary, the available evidence is currently insufficient to determine the role of this variant in disease. Therefore, it has been classified as a Variant of Uncertain Significance.